The following is an entry in ClinVar:

ClinVar aggregate classification (germline): Uncertain significance (1 of 4 stars; one submission).

Conditions:
Familial thoracic aortic aneurysm and aortic dissection (TAAD). Also called: Thoracic aortic aneurysms and dissections. Identifiers: Orphanet 91387, MedGen C4707243, MONDO:0019625.

Submission:

Color Diagnostics, LLC DBA Color Health
Classification: Uncertain significance for Familial thoracic aortic aneurysm and aortic dissection. Last evaluated: 2025-07-17. Review status: criteria provided, single submitter. Criteria: ACMG Guidelines, 2015. Collection method: clinical testing. Allele origin: germline.
Comment: This missense variant replaces leucine with phenylalanine at codon 1715 of the MYH11 protein. Computational prediction suggests that this variant may not impact protein structure and function. To our knowledge, functional studies have not been reported for this variant. This variant has not been reported in individuals affected with MYH11-related disorders in the literature. This variant has been identified in 1/250790 chromosomes in the general population by the Genome Aggregation Database (gnomAD). The available evidence is insufficient to determine the role of this variant in disease conclusively. Therefore, this variant is classified as a Variant of Uncertain Significance.

NM_002474.3(MYH11):c.5122C>T (p.Leu1708Phe)

Genes: NDE1 (nudE neurodevelopment protein 1; plus strand), MYH11 (myosin heavy chain 11; minus strand). Cytogenetic location: 16p13.11.
Variant type: single nucleotide variant.
Coding change: c.5122C>T on transcript NM_002474.3 (MANE Select); coding-DNA position 5122, C replaced by T.
Protein change: p.Leu1708Phe; replaces leucine 1708 with phenylalanine.
Molecular consequence: missense variant. On other transcripts: intron variant (2).
Genome position (GRCh38, 1-based): chr16:15,719,269, G>A on the plus strand (C>T on the coding strand, the complement: MYH11 is on the minus strand). VCF-style: chr16-15719269-G-A. GRCh37 (hg19) VCF-style: chr16-15813126-G-A.
Other names: c.5143C>T, p.Leu1715Phe (NM_001040113.2, NM_001040114.2); c.5122C>T, p.Leu1708Phe (NM_022844.3); c.948-4922G>A (NM_001143979.2, NM_017668.3); short protein forms L1708F, L1715F.
Identifiers: ClinVar variation 4758786 (VCV004758786.1).